The following is an entry in ClinVar:

ClinVar aggregate classification (germline): Conflicting classifications of pathogenicity. Review status: criteria provided, conflicting classifications (1 of 4 stars). 4 submissions from 4 submitters: Uncertain significance (1); Likely benign (3). Last evaluated 2025-01-08.

Conditions:
PCDH15-related disorder. Also called: PCDH15-related disorders; PCDH15-related condition.
Inborn genetic diseases. Identifiers: MedGen C0950123, MeSH D030342.

Allele frequency attached by ClinVar (database versions not stated): ExAC 0.00010; gnomAD 0.00011 and 0.00014; TOPMed 0.00011; gnomAD exomes 0.00007 and 0.00021; ESP Exome Variant Server 0.00010; 1000 Genomes Project 30x 0.00016; 1000 Genomes Project 0.00020.
gnomAD v4.1: 122 of 1,575,844 alleles (0.0077%); highest among the groups gnomAD compares: East Asian, 0.17%; no homozygotes.

Submissions (4):

PreventionGenetics, part of Exact Sciences
Classification: Likely benign for PCDH15-related condition. Last evaluated: 2025-01-08. Review status: criteria provided, single submitter. Criteria: ACMG Guidelines, 2015. Collection method: clinical testing. Allele origin: germline.
Comment: This variant is classified as likely benign based on ACMG/AMP sequence variant interpretation guidelines (Richards et al. 2015 PMID: 25741868, with internal and published modifications).

Ambry Genetics
Classification: Uncertain significance for Inborn genetic diseases. Last evaluated: 2024-04-22. Review status: criteria provided, single submitter. Criteria: Ambry Variant Classification Scheme 2023. Collection method: clinical testing. Allele origin: germline.

Blueprint Genetics
Classification: Likely benign. Last evaluated: 2024-03-01. Review status: criteria provided, single submitter. Criteria: ACMG Guidelines, 2015. Collection method: clinical testing. Allele origin: germline.

Labcorp Genetics (formerly Invitae), Labcorp
Classification: Likely benign. Last evaluated: 2021-12-01. Review status: criteria provided, single submitter. Criteria: Invitae Variant Classification Sherloc (09022015). Collection method: clinical testing. Allele origin: germline.

NM_001384140.1(PCDH15):c.4671+1643G>A

Gene: PCDH15 (protocadherin related 15; minus strand). Cytogenetic location: 10q21.1.
Variant type: single nucleotide variant.
Coding change: c.4671+1643G>A on transcript NM_001384140.1 (MANE Select); 1643 bases into the intron after coding-DNA position 4671, G replaced by A.
Molecular consequence: intron variant. On other transcripts: missense variant (2), 3 prime UTR variant (1).
Genome position (GRCh38, 1-based): chr10:53,808,913, C>T on the plus strand (G>A on the coding strand, the complement: PCDH15 is on the minus strand). VCF-style: chr10-53808913-C-T. GRCh37 (hg19) VCF-style: chr10-55568673-C-T.
Other names: c.4482+1643G>A (NM_001142772.2); c.4497+1643G>A (NM_001142771.2); c.5152G>A, p.Glu1718Lys (NM_001142769.4); c.*567G>A (NM_001142770.3); c.5131G>A, p.Glu1711Lys (NM_001354411.2); c.4476+1643G>A (NM_001354420.2); c.4605+1643G>A (NM_001354429.2); short protein forms E1718K, E1711K.
Identifiers: ClinVar variation 715737 (VCV000715737.13), dbSNP rs190515330, ClinGen allele CA5504717.